The following is an entry in ClinVar:

NM_001164508.2(NEB):c.2586T>A (p.Asn862Lys)

Gene: NEB (nebulin; minus strand). Cytogenetic location: 2q23.3.
Variant type: single nucleotide variant.
Coding change: c.2586T>A on transcript NM_001164508.2 (MANE Select); coding-DNA position 2586, T replaced by A.
Protein change: p.Asn862Lys; replaces asparagine 862 with lysine.
Molecular consequence: missense variant.
Genome position (GRCh38, 1-based): chr2:151,687,470, A>T on the plus strand (T>A on the coding strand, the complement: NEB is on the minus strand). VCF-style: chr2-151687470-A-T. GRCh37 (hg19) VCF-style: chr2-152543984-A-T.
Other names: c.2586T>A, p.Asn862Lys (NM_001164507.2, NM_001271208.2, NM_004543.5); short protein forms N862K.
Identifiers: ClinVar variation 2888965 (VCV002888965.2), dbSNP rs747576289, ClinGen allele CA1911183.
Genomic context (GRCh38, chr2:151,687,470, plus strand): 5'-GACACTCACATCACTCTGGTTTTTGGCTGTCTTCAAGGAGTGCAGCATCTTTGGATCGTC[A>T]TTAATGCTGAGGGCTCCAATCATTTTCCCTTTGCTCTTTTCATAGTCTTTCTTGTACATC-3'
Protein context (NP_001157980.2, residues 852-872): KGKMIGALSI[Asn862Lys]DDPKMLHSLK

ClinVar aggregate classification (germline): Uncertain significance (1 of 4 stars; one submission).

Conditions:
Nemaline myopathy 2 (NEM2). Also called: Nemaline myopathy 2, autosomal recessive. Identifiers: MedGen C1850569, MONDO:0009725, OMIM 256030.

Allele frequency attached by ClinVar (database versions not stated): gnomAD exomes 0.00001; ExAC 0.00002.
gnomAD v4.1: 5 of 1,614,046 alleles (0.00031%); highest among the groups gnomAD compares: Non-Finnish European, 0.00042%; no homozygotes.

Submission:

Labcorp Genetics (formerly Invitae), Labcorp
Classification: Uncertain significance for Nemaline myopathy 2. Last evaluated: 2023-12-07. Review status: criteria provided, single submitter. Criteria: Invitae Variant Classification Sherloc (09022015). Collection method: clinical testing. Allele origin: germline.
Comment: This sequence change replaces asparagine, which is neutral and polar, with lysine, which is basic and polar, at codon 862 of the NEB protein (p.Asn862Lys). This variant is present in population databases (rs747576289, gnomAD 0.003%). This variant has not been reported in the literature in individuals affected with NEB-related conditions. Experimental studies and prediction algorithms are not available or were not evaluated, and the functional significance of this variant is currently unknown. In summary, the available evidence is currently insufficient to determine the role of this variant in disease. Therefore, it has been classified as a Variant of Uncertain Significance.